The following is an entry in ClinVar:

ClinVar aggregate classification (germline): Uncertain significance (1 of 4 stars; one submission).

Allele frequency attached by ClinVar (database versions not stated): gnomAD exomes below 0.00001; TOPMed below 0.00001; gnomAD 0.00001; ESP Exome Variant Server 0.00008.
gnomAD v4.1: 3 of 1,605,468 alleles (0.00019%); highest among the groups gnomAD compares: Non-Finnish European, 0.00026%; no homozygotes.

Submission:

Labcorp Genetics (formerly Invitae), Labcorp
Classification: Uncertain significance. Last evaluated: 2023-05-21. Review status: criteria provided, single submitter. Criteria: Invitae Variant Classification Sherloc (09022015). Collection method: clinical testing. Allele origin: germline.
Comment: In summary, the available evidence is currently insufficient to determine the role of this variant in disease. Therefore, it has been classified as a Variant of Uncertain Significance. Advanced modeling of protein sequence and biophysical properties (such as structural, functional, and spatial information, amino acid conservation, physicochemical variation, residue mobility, and thermodynamic stability) has been performed at Invitae for this missense variant, however the output from this modeling did not meet the statistical confidence thresholds required to predict the impact of this variant on KMT2B protein function. This variant has not been reported in the literature in individuals affected with KMT2B-related conditions. This variant is not present in population databases (gnomAD no frequency). This sequence change replaces arginine, which is basic and polar, with tryptophan, which is neutral and slightly polar, at codon 1875 of the KMT2B protein (p.Arg1875Trp).

NM_014727.3(KMT2B):c.5623A>T (p.Arg1875Trp)

Gene: KMT2B (lysine methyltransferase 2B; plus strand). Cytogenetic location: 19q13.12.
Variant type: single nucleotide variant.
Coding change: c.5623A>T on transcript NM_014727.3 (MANE Select); coding-DNA position 5623, A replaced by T.
Protein change: p.Arg1875Trp; replaces arginine 1875 with tryptophan.
Molecular consequence: missense variant.
Genome position (GRCh38, 1-based): chr19:35,732,093, A>T. VCF-style: chr19-35732093-A-T. GRCh37 (hg19) VCF-style: chr19-36222994-A-T.
Other names: short protein forms R1875W.
Identifiers: ClinVar variation 2967259 (VCV002967259.3), dbSNP rs368329197, ClinGen allele CA307795265.
Genomic context (GRCh38, chr19:35,732,093, plus strand): 5'-CCAGCCCCCCGTTCTTTTTCGGGGGCTCGAATCAAAGTGCCCAACTACTCGCCATCCCGG[A>T]GGCCCTTGGGGGGTGTCTCCTTTGGCCCCCTGCCCTCCCCTGGTGAGCACCGGGCATGTG-3'
Protein context (NP_055542.1, residues 1865-1885): IKVPNYSPSR[Arg1875Trp]PLGGVSFGPL